The following is an entry in ClinVar:

NM_004738.5(VAPB):c.635C>A (p.Ala212Asp)

Gene: VAPB (VAMP associated protein B and C; plus strand). Cytogenetic location: 20q13.32.
Variant type: single nucleotide variant.
Coding change: c.635C>A on transcript NM_004738.5 (MANE Select); coding-DNA position 635, C replaced by A.
Protein change: p.Ala212Asp; replaces alanine 212 with aspartic acid.
Molecular consequence: missense variant. On other transcripts: non-coding transcript variant (1).
Genome position (GRCh38, 1-based): chr20:58,444,138, C>A. VCF-style: chr20-58444138-C-A. GRCh37 (hg19) VCF-style: chr20-57019194-C-A.
Other names: c.273C>A, p.Ser91Arg (NM_001195677.2); short protein forms A212D, S91R.
Identifiers: ClinVar variation 1042871 (VCV001042871.11), dbSNP rs1989221617, ClinGen allele CA409440207.

ClinVar aggregate classification (germline): Uncertain significance (1 of 4 stars; one submission).

Conditions:
Amyotrophic lateral sclerosis type 8 (ALS8). Identifiers: Orphanet 803, MedGen C1837728, MONDO:0012077, OMIM 608627.
Adult-onset proximal spinal muscular atrophy, autosomal dominant. Also called: FINKEL LATE-ADULT TYPE SMA; Spinal muscular atrophy, late-onset, finkel type. Identifiers: Orphanet 209335, MedGen C1854058, MONDO:0008453, OMIM 182980.

Submission:

Labcorp Genetics (formerly Invitae), Labcorp
Classification: Uncertain significance for Adult-onset proximal spinal muscular atrophy, autosomal dominant; Amyotrophic lateral sclerosis type 8. Last evaluated: 2022-07-18. Review status: criteria provided, single submitter. Criteria: Invitae Variant Classification Sherloc (09022015). Collection method: clinical testing. Allele origin: germline.
Comment: In summary, the available evidence is currently insufficient to determine the role of this variant in disease. Therefore, it has been classified as a Variant of Uncertain Significance. Algorithms developed to predict the effect of missense changes on protein structure and function are either unavailable or do not agree on the potential impact of this missense change (SIFT: "Not Available"; PolyPhen-2: "Benign"; Align-GVGD: "Not Available"). This sequence change replaces alanine, which is neutral and non-polar, with aspartic acid, which is acidic and polar, at codon 212 of the VAPB protein (p.Ala212Asp). ClinVar contains an entry for this variant (Variation ID: 1042871). This variant has not been reported in the literature in individuals affected with VAPB-related conditions. This variant is not present in population databases (gnomAD no frequency).